The following is an entry in ClinVar:

NM_001267550.2(TTN):c.99463dup (p.Thr33155fs)

Genes: TTN (titin; minus strand), TTN-AS1 (TTN antisense RNA 1; plus strand). Cytogenetic location: 2q31.2.
Variant type: Duplication.
Coding change: c.99463dup on transcript NM_001267550.2 (MANE Select); coding-DNA position 99463, one base duplicated (A; older notation c.99463dupA).
Protein change: p.Thr33155fs; shifts the reading frame from threonine 33155.
Molecular consequence: frameshift variant.
Genome position (GRCh38, 1-based): chr2:178,537,744, T duplicated on the plus strand (A on the coding strand, the reverse complement: TTN is on the minus strand). VCF-style (leftmost placement, unchanged base first): chr2-178537743-G-GT. GRCh37 (hg19) VCF-style: chr2-179402470-G-GT.
Other names: c.94540dup, p.Thr31514fs (NM_001256850.1); c.72268dup, p.Thr24090fs (NM_003319.4); c.91759dup, p.Thr30587fs (NM_133378.4); c.72643dup, p.Thr24215fs (NM_133432.3); c.72844dup, p.Thr24282fs (NM_133437.4); short protein forms T24215fs, T24090fs, T31514fs, T24282fs, T30587fs, T33155fs.
Identifiers: ClinVar variation 2119750 (VCV002119750.4), dbSNP rs2468683037, ClinGen allele CA2580064628.
Genomic context (GRCh38, chr2:178,537,743, plus strand): 5'-GCTATGCAGGTATAAACACCTTCATCTTCCTGTTCCTCTGTCATTACTGTAAGAGTGTGT[G>GT]TGCGTCCATCTGAAGACATTTTGTATTTCCGGCTTTGTATGAGCTCTTTACCAAATCTGT-3'

ClinVar aggregate classification (germline): Likely pathogenic (1 of 4 stars; one submission).

Conditions:
Autosomal recessive limb-girdle muscular dystrophy type 2J (LGMDR10). Also called: Limb-girdle muscular dystrophy, type 2J; MUSCULAR DYSTROPHY, LIMB-GIRDLE, AUTOSOMAL RECESSIVE 10. Identifiers: Orphanet 140922, MedGen C1837342, MONDO:0012127, OMIM 608807.
Dilated cardiomyopathy 1G (CMD1G). Identifiers: Orphanet 154, MedGen C1858763, MONDO:0011400, OMIM 604145.

Submission:

Labcorp Genetics (formerly Invitae), Labcorp
Classification: Likely pathogenic for Dilated cardiomyopathy 1G; Autosomal recessive limb-girdle muscular dystrophy type 2J. Last evaluated: 2022-03-31. Review status: criteria provided, single submitter. Criteria: Invitae Variant Classification Sherloc (09022015). Collection method: clinical testing. Allele origin: germline.
Comment: This variant is not present in population databases (gnomAD no frequency). This variant has not been reported in the literature in individuals affected with TTN-related conditions. This variant is located in the A band of TTN (PMID: 25589632). Truncating variants in this region are significantly overrepresented in patients affected with dilated cardiomyopathy (PMID: 25589632). Truncating variants in this region have also been reported in individuals affected with autosomal recessive centronuclear myopathy (PMID: 23975875). In summary, the currently available evidence indicates that the variant is pathogenic, but additional data are needed to prove that conclusively. Therefore, this variant has been classified as Likely Pathogenic. This sequence change creates a premature translational stop signal (p.Thr33155Asnfs*14) in the TTN gene. While this is not anticipated to result in nonsense mediated decay, it is expected to create a truncated TTN protein.

Literature cited by the submitters: PubMed 25589632; PubMed 23975875.